The following is an entry in ClinVar:

ClinVar aggregate classification (germline): Uncertain significance (1 of 4 stars; one submission).

Submission:

GeneDx
Classification: Uncertain significance. Last evaluated: 2022-05-06. Review status: criteria provided, single submitter. Criteria: GeneDx Variant Classification Process June 2021. Collection method: clinical testing. Allele origin: germline. Affected: yes.
Comment: Not observed at significant frequency in large population cohorts (gnomAD); In silico analysis supports that this missense variant has a deleterious effect on protein structure/function; Has not been previously published as pathogenic or benign to our knowledge

NM_001127222.2(CACNA1A):c.2404C>T (p.Arg802Cys)

Gene: CACNA1A (calcium voltage-gated channel subunit alpha1 A; minus strand). Cytogenetic location: 19p13.13.
Variant type: single nucleotide variant.
Coding change: c.2404C>T on transcript NM_001127222.2 (MANE Select); coding-DNA position 2404, C replaced by T.
Protein change: p.Arg802Cys; replaces arginine 802 with cysteine.
Molecular consequence: missense variant.
Genome position (GRCh38, 1-based): chr19:13,299,229, G>A on the plus strand (C>T on the coding strand, the complement: CACNA1A is on the minus strand). VCF-style: chr19-13299229-G-A. GRCh37 (hg19) VCF-style: chr19-13410043-G-A.
Other names: c.2416C>T, p.Arg806Cys (NM_000068.4, NM_023035.3); c.2407C>T, p.Arg803Cys (NM_001127221.2, NM_001174080.2); short protein forms R802C, R803C, R806C.
Identifiers: ClinVar variation 1722818 (VCV001722818.2), dbSNP rs760816963, ClinGen allele CA305506583.